The following is an entry in ClinVar:

NM_000477.7(ALB):c.724C>A (p.Arg242Ser)

Gene: ALB (albumin; plus strand). Cytogenetic location: 4q13.3.
Variant type: single nucleotide variant.
Coding change: c.724C>A on transcript NM_000477.7 (MANE Select); coding-DNA position 724, C replaced by A.
Protein change: p.Arg242Ser; replaces arginine 242 with serine.
Molecular consequence: missense variant.
Genome position (GRCh38, 1-based): chr4:73,412,006, C>A. VCF-style: chr4-73412006-C-A. GRCh37 (hg19) VCF-style: chr4-74277723-C-A.
Other names: short protein forms R242S.
Identifiers: ClinVar variation 4682120 (VCV004682120.1).

ClinVar aggregate classification (germline): Pathogenic (1 of 4 stars; one submission).

Conditions:
Hyperthyroidism. Identifiers: MedGen C0020550, MONDO:0004425, HP:0000836.

Submission:

Cambridge Genomics Laboratory, East Genomic Laboratory Hub, NHS Genomic Medicine Service
Classification: Pathogenic for Hyperthyroidism. Last evaluated: 2024-08-15. Review status: criteria provided, single submitter. Criteria: ACGS Best Practice Guidelines for Variant Classification in Rare Disease 2020. Collection method: clinical testing. Allele origin: germline. Affected: yes.
Comment: PS4_Moderate,PM2,PM5,PP1_Strong,PP3,PP4